The following is an entry in ClinVar:

NM_138694.4(PKHD1):c.5214T>G (p.Ile1738Met)

Genes: PKHD1 (PKHD1 ciliary IPT domain containing fibrocystin/polyductin; minus strand), LOC126859690 (MED14-independent group 3 enhancer GRCh37_chr6:51888848-51890047; plus strand). Cytogenetic location: 6p12.2.
Variant type: single nucleotide variant.
Coding change: c.5214T>G on transcript NM_138694.4 (MANE Select); coding-DNA position 5214, T replaced by G.
Protein change: p.Ile1738Met; replaces isoleucine 1738 with methionine.
Molecular consequence: missense variant.
Genome position (GRCh38, 1-based): chr6:52,024,596, A>C on the plus strand (T>G on the coding strand, the complement: PKHD1 is on the minus strand). VCF-style: chr6-52024596-A-C. GRCh37 (hg19) VCF-style: chr6-51889394-A-C.
Other names: c.5214T>G, p.Ile1738Met (NM_170724.3); short protein forms I1738M.
Identifiers: ClinVar variation 4801356 (VCV004801356.1).

ClinVar aggregate classification (germline): Uncertain significance (1 of 4 stars; one submission).

Conditions:
Autosomal recessive polycystic kidney disease (ARPKD). Also called: AR polycystic kidney disease. Identifiers: Orphanet 731, Orphanet 8378, MedGen C0085548, MeSH D017044, MONDO:0009889.

Submission:

Labcorp Genetics (formerly Invitae), Labcorp
Classification: Uncertain significance for Autosomal recessive polycystic kidney disease. Last evaluated: 2025-12-16. Review status: criteria provided, single submitter. Criteria: Invitae Variant Classification Sherloc (09022015). Collection method: clinical testing. Allele origin: germline.
Comment: This sequence change replaces isoleucine, which is neutral and non-polar, with methionine, which is neutral and non-polar, at codon 1738 of the PKHD1 protein (p.Ile1738Met). This variant is not present in population databases (gnomAD no frequency). This missense change has been observed in individual(s) with PKHD1-related conditions (internal data). In at least one individual the data is consistent with being in trans (on the opposite chromosome) from a pathogenic variant. Invitae Evidence Modeling of protein sequence and biophysical properties (such as structural, functional, and spatial information, amino acid conservation, physicochemical variation, residue mobility, and thermodynamic stability) indicates that this missense variant is not expected to disrupt PKHD1 protein function with a negative predictive value of 95%. In summary, the available evidence is currently insufficient to determine the role of this variant in disease. Therefore, it has been classified as a Variant of Uncertain Significance.